The following is an entry in ClinVar:

NM_005477.3(HCN4):c.581C>A (p.Ala194Glu)

Gene: HCN4 (hyperpolarization activated cyclic nucleotide gated potassium channel 4; minus strand). Cytogenetic location: 15q24.1.
Variant type: single nucleotide variant.
Coding change: c.581C>A on transcript NM_005477.3 (MANE Select); coding-DNA position 581, C replaced by A.
Protein change: p.Ala194Glu; replaces alanine 194 with glutamic acid.
Molecular consequence: missense variant.
Genome position (GRCh38, 1-based): chr15:73,367,690, G>T on the plus strand (C>A on the coding strand, the complement: HCN4 is on the minus strand). VCF-style: chr15-73367690-G-T. GRCh37 (hg19) VCF-style: chr15-73660031-G-T.
Other names: short protein forms A194E.
Identifiers: ClinVar variation 3857000 (VCV003857000.1).

ClinVar aggregate classification (germline): Uncertain significance (1 of 4 stars; one submission).

Conditions:
Cardiovascular phenotype. Identifiers: MedGen CN230736.

Submission:

Ambry Genetics
Classification: Uncertain significance for Cardiovascular phenotype. Last evaluated: 2025-03-04. Review status: criteria provided, single submitter. Criteria: Ambry Variant Classification Scheme 2023. Collection method: clinical testing. Allele origin: germline.
Comment: The p.A194E variant (also known as c.581C>A), located in coding exon 1 of the HCN4 gene, results from a C to A substitution at nucleotide position 581. The alanine at codon 194 is replaced by glutamic acid, an amino acid with dissimilar properties. This amino acid position is conserved. In addition, this alteration is predicted to be tolerated by in silico analysis. Based on the available evidence, the clinical significance of this variant remains unclear.